The following is an entry in ClinVar:

ClinVar aggregate classification (germline): Likely benign. Review status: criteria provided, multiple submitters, no conflicts (2 of 4 stars). 3 submissions from 3 submitters: Likely benign (3). Last evaluated 2025-12-29.

Conditions:
Familial thoracic aortic aneurysm and aortic dissection (TAAD). Also called: Thoracic aortic aneurysms and dissections. Identifiers: Orphanet 91387, MedGen C4707243, MONDO:0019625.
Aortic aneurysm, familial thoracic 7 (AAT7). Also called: AORTIC DISSECTION, FAMILIAL, WITH OR WITHOUT AORTIC ANEURYSM. Identifiers: MedGen C3151077, MONDO:0013418, OMIM 613780.

Allele frequency attached by ClinVar (database versions not stated): gnomAD below 0.00001 and 0.00001; gnomAD exomes 0.00001; TOPMed 0.00001; ExAC 0.00002.
gnomAD v4.1: 17 of 1,573,348 alleles (0.0011%); highest among the groups gnomAD compares: East Asian, 0.029%; no homozygotes.

Submissions (3):

Labcorp Genetics (formerly Invitae), Labcorp
Classification: Likely benign for Aortic aneurysm, familial thoracic 7. Last evaluated: 2025-12-29. Review status: criteria provided, single submitter. Criteria: Invitae Variant Classification Sherloc (09022015). Collection method: clinical testing. Allele origin: germline.

Ambry Genetics
Classification: Likely benign for Familial thoracic aortic aneurysm and aortic dissection. Last evaluated: 2024-12-29. Review status: criteria provided, single submitter. Criteria: Ambry Variant Classification Scheme 2023. Collection method: clinical testing. Allele origin: germline.

GeneDx
Classification: Likely benign. Last evaluated: 2018-04-24. Review status: criteria provided, single submitter. Criteria: GeneDx Variant Classification (06012015). Collection method: clinical testing. Allele origin: germline. Affected: yes.
Comment: This variant is considered likely benign or benign based on one or more of the following criteria: it is a conservative change, it occurs at a poorly conserved position in the protein, it is predicted to be benign by multiple in silico algorithms, and/or has population frequency not consistent with disease.

NM_053025.4(MYLK):c.849G>A (p.Ser283=)

Gene: MYLK (myosin light chain kinase; minus strand). Cytogenetic location: 3q21.1.
Variant type: single nucleotide variant.
Coding change: c.849G>A on transcript NM_053025.4 (MANE Select); coding-DNA position 849, G replaced by A.
Protein change: p.Ser283=; no amino-acid change (serine 283 retained).
Molecular consequence: synonymous variant.
Genome position (GRCh38, 1-based): chr3:123,734,147, C>T on the plus strand (G>A on the coding strand, the complement: MYLK is on the minus strand). VCF-style: chr3-123734147-C-T. GRCh37 (hg19) VCF-style: chr3-123452994-C-T.
Other names: c.321G>A, p.Ser107= (NM_001321309.2); c.849G>A, p.Ser283= (NM_053026.4, NM_053027.4, NM_053028.4).
Identifiers: ClinVar variation 682268 (VCV000682268.10), dbSNP rs758274846, ClinGen allele CA073710.